The following is an entry in ClinVar:

ClinVar aggregate classification (germline): Uncertain significance. Review status: criteria provided, multiple submitters, no conflicts (2 of 4 stars). 2 submissions from 2 submitters: Uncertain significance (2). Last evaluated 2025-01-17.

Conditions:
FG syndrome (FGS). Identifiers: MedGen C0220769, MONDO:0002010.

gnomAD v4.1: 1 of 1,211,056 alleles (0.000083%); highest among the groups gnomAD compares: Non-Finnish European, 0.00011%; no homozygotes.

Submissions (2):

GeneDx
Classification: Uncertain significance. Last evaluated: 2025-01-17. Review status: criteria provided, single submitter. Criteria: GeneDx Variant Classification Process June 2021. Collection method: clinical testing. Allele origin: germline. Affected: yes.
Comment: Not observed at significant frequency in large population cohorts (gnomAD); In silico analysis supports that this missense variant has a deleterious effect on protein structure/function; Has not been previously published as pathogenic or benign to our knowledge

Labcorp Genetics (formerly Invitae), Labcorp
Classification: Uncertain significance for FG syndrome. Last evaluated: 2022-07-13. Review status: criteria provided, single submitter. Criteria: Invitae Variant Classification Sherloc (09022015). Collection method: clinical testing. Allele origin: germline.
Comment: In summary, the available evidence is currently insufficient to determine the role of this variant in disease. Therefore, it has been classified as a Variant of Uncertain Significance. Advanced modeling of protein sequence and biophysical properties (such as structural, functional, and spatial information, amino acid conservation, physicochemical variation, residue mobility, and thermodynamic stability) performed at Invitae indicates that this missense variant is expected to disrupt MED12 protein function. ClinVar contains an entry for this variant (Variation ID: 1190588). This variant has not been reported in the literature in individuals affected with MED12-related conditions. This variant is not present in population databases (gnomAD no frequency). This sequence change replaces arginine, which is basic and polar, with glutamine, which is neutral and polar, at codon 1170 of the MED12 protein (p.Arg1170Gln).

NM_005120.3(MED12):c.3509G>A (p.Arg1170Gln)

Gene: MED12 (mediator complex subunit 12; plus strand). Cytogenetic location: Xq13.1.
Variant type: single nucleotide variant.
Coding change: c.3509G>A on transcript NM_005120.3 (MANE Select); coding-DNA position 3509, G replaced by A.
Protein change: p.Arg1170Gln; replaces arginine 1170 with glutamine.
Molecular consequence: missense variant.
Genome position (GRCh38, 1-based): chrX:71,129,147, G>A. VCF-style: chrX-71129147-G-A. GRCh37 (hg19) VCF-style: chrX-70348997-G-A.
Other names: short protein forms R1170Q.
Identifiers: ClinVar variation 1190588 (VCV001190588.12), dbSNP rs2147804813, ClinGen allele CA413519693.